The following is an entry in ClinVar:

ClinVar aggregate classification (germline): Uncertain significance (1 of 4 stars; one submission).

gnomAD v4.1: 3 of 1,525,546 alleles (0.0002%); highest among the groups gnomAD compares: Non-Finnish European, 0.00026%; no homozygotes.

Submission:

GeneDx
Classification: Uncertain significance. Last evaluated: 2026-02-09. Review status: criteria provided, single submitter. Criteria: GeneDx Variant Classification Process June 2021. Collection method: clinical testing. Allele origin: germline.
Comment: In silico analysis supports that this missense variant has a deleterious effect on protein structure/function; Has not been previously published as pathogenic or benign to our knowledge

NM_020433.5(JPH2):c.533A>C (p.Asp178Ala)

Gene: JPH2 (junctophilin 2; minus strand). Cytogenetic location: 20q13.12.
Variant type: single nucleotide variant.
Coding change: c.533A>C on transcript NM_020433.5 (MANE Select); coding-DNA position 533, A replaced by C.
Protein change: p.Asp178Ala; replaces aspartic acid 178 with alanine.
Molecular consequence: missense variant.
Genome position (GRCh38, 1-based): chr20:44,160,254, T>G on the plus strand (A>C on the coding strand, the complement: JPH2 is on the minus strand). VCF-style: chr20-44160254-T-G. GRCh37 (hg19) VCF-style: chr20-42788894-T-G.
Other names: short protein forms D178A.
Identifiers: ClinVar variation 4887942 (VCV004887942.1).